The following is an entry in ClinVar:

NM_182961.4(SYNE1):c.7030-1G>A

Gene: SYNE1 (spectrin repeat containing nuclear envelope protein 1; minus strand). Cytogenetic location: 6q25.2.
Variant type: single nucleotide variant.
Coding change: c.7030-1G>A on transcript NM_182961.4 (MANE Select); the canonical splice acceptor site of the intron before coding-DNA position 7030, G replaced by A.
Molecular consequence: splice acceptor variant.
Genome position (GRCh38, 1-based): chr6:152,399,824, C>T on the plus strand (G>A on the coding strand, the complement: SYNE1 is on the minus strand). VCF-style: chr6-152399824-C-T. GRCh37 (hg19) VCF-style: chr6-152720959-C-T.
Other names: c.7051-1G>A (NM_033071.5).
Identifiers: ClinVar variation 4980930 (VCV004980930.1).

ClinVar aggregate classification (germline): Likely pathogenic (1 of 4 stars; one submission).

Conditions:
SYNE1-related disorder. Also called: SYNE1-related disease; SYNE1-related condition; SYNE1-related disorders.

gnomAD v4.1: 6 of 1,613,520 alleles (0.00037%); highest among the groups gnomAD compares: Non-Finnish European, 0.00051%; no homozygotes.

Submission:

PreventionGenetics, part of Exact Sciences
Classification: Likely pathogenic for SYNE1-related condition. Last evaluated: 2026-03-12. Review status: criteria provided, single submitter. Criteria: ACMG Guidelines, 2015. Collection method: clinical testing. Allele origin: germline.
Comment: The SYNE1 c.7051-1G>A variant is predicted to disrupt the AG splice acceptor site and interfere with normal splicing. To our knowledge, this variant has not been reported in the literature or in a large population database (gnomAD), indicating this variant is rare. Loss of function SYNE1 variants are reported to be pathogenic for autosomal recessive spinocerebellar ataxia and for autosomal recessive arthrogryposis, while rarely for autosomal dominant muscular dystrophy. Therefore, this variant is interpreted as likely pathogenic for autosomal recessive disease and as a variant of uncertain significance for autosomal dominant disease.